The following is an entry in ClinVar:

ClinVar aggregate classification (germline): Conflicting classifications of pathogenicity. Review status: criteria provided, conflicting classifications (1 of 4 stars). 3 submissions from 3 submitters: Uncertain significance (2); Likely benign (1). Last evaluated 2026-02-01.

Conditions:
HNSHA due to aldolase A deficiency (GSD12). Also called: GLYCOGEN STORAGE DISEASE XII; GSD XII; RED CELL ALDOLASE DEFICIENCY; Glycogen storage disease due to aldolase A deficiency. Identifiers: Orphanet 57, MedGen C0272066, MONDO:0012747, OMIM 611881.

Allele frequency attached by ClinVar (database versions not stated): gnomAD 0.00013 and 0.00015; ESP Exome Variant Server 0.00015; 1000 Genomes Project 30x 0.00016; TOPMed 0.00018; gnomAD exomes 0.00019; 1000 Genomes Project 0.00020; ExAC 0.00022.
gnomAD v4.1: 403 of 1,613,804 alleles (0.025%); highest among the groups gnomAD compares: South Asian, 0.074%; 2 homozygotes.

Submissions (3):

Labcorp Genetics (formerly Invitae), Labcorp
Classification: Likely benign for HNSHA due to aldolase A deficiency. Last evaluated: 2026-02-01. Review status: criteria provided, single submitter. Criteria: Invitae Variant Classification Sherloc (09022015). Collection method: clinical testing. Allele origin: germline.

Revvity Omics, Revvity
Classification: Uncertain significance for HNSHA due to aldolase A deficiency. Last evaluated: 2024-06-14. Review status: criteria provided, single submitter. Criteria: ACMG Guidelines, 2015. Collection method: clinical testing. Allele origin: germline.

GeneDx
Classification: Uncertain significance. Last evaluated: 2017-07-18. Review status: criteria provided, single submitter. Criteria: GeneDx Variant Classification (06012015). Collection method: clinical testing. Allele origin: germline. Affected: yes.
Comment: The V254I variant in the ALDOA gene has not been reported previously as a pathogenic variant, nor as a benign variant, to our knowledge. The V254I variant is observed in 11/16490 (0.07%) alleles from individuals of South Asian background and in 13/66398 (0.02%) alleles from individuals of non-Finnish European background, in the ExAC dataset (Lek et al., 2016). The V254I variant is a conservative amino acid substitution, which is not likely to impact secondary protein structure as these residues share similar properties. This substitution occurs at a position that is conserved across species. In silico analysis is inconsistent in its predictions as to whether or not the variant is damaging to the protein structure/function. We interpret V254I as a variant of uncertain significance.

NM_001243177.4(ALDOA):c.922G>A (p.Val308Ile)

Genes: ALDOA (aldolase, fructose-bisphosphate A; plus strand), LOC112694756 (uncharaterized LOC112694756; plus strand). Cytogenetic location: 16p11.2.
Variant type: single nucleotide variant.
Coding change: c.922G>A on transcript NM_001243177.4 (MANE Select); coding-DNA position 922, G replaced by A.
Protein change: p.Val308Ile; replaces valine 308 with isoleucine.
Molecular consequence: missense variant. On other transcripts: 3 prime UTR variant (3).
Genome position (GRCh38, 1-based): chr16:30,069,634, G>A. VCF-style: chr16-30069634-G-A. GRCh37 (hg19) VCF-style: chr16-30080955-G-A.
Other names: c.*1269G>A (NM_001365304.2, NM_001365305.2, NM_001365307.2); c.760G>A, p.Val254Ile (NM_001127617.2, NM_184041.5, NM_184043.2); short protein forms V254I, V308I.
Identifiers: ClinVar variation 450306 (VCV000450306.11), dbSNP rs142759891, ClinGen allele CA8001116.